The following is an entry in ClinVar:

ClinVar aggregate classification (germline): Uncertain significance (1 of 4 stars; one submission).

Submission:

GeneDx
Classification: Uncertain significance. Last evaluated: 2024-10-16. Review status: criteria provided, single submitter. Criteria: GeneDx Variant Classification Process June 2021. Collection method: clinical testing. Allele origin: germline. Affected: yes.
Comment: Not observed at significant frequency in large population cohorts (gnomAD); In silico analysis indicates that this missense variant does not alter protein structure/function; Has not been previously published as pathogenic or benign to our knowledge

NM_001189.4(NKX3-2):c.368T>C (p.Leu123Ser)

Gene: NKX3-2 (NK3 homeobox 2; minus strand). Cytogenetic location: 4p15.33.
Variant type: single nucleotide variant.
Coding change: c.368T>C on transcript NM_001189.4 (MANE Select); coding-DNA position 368, T replaced by C.
Protein change: p.Leu123Ser; replaces leucine 123 with serine.
Molecular consequence: missense variant.
Genome position (GRCh38, 1-based): chr4:13,544,047, A>G on the plus strand (T>C on the coding strand, the complement: NKX3-2 is on the minus strand). VCF-style: chr4-13544047-A-G. GRCh37 (hg19) VCF-style: chr4-13545671-A-G.
Other names: short protein forms L123S.
Identifiers: ClinVar variation 3781168 (VCV003781168.1).